The following is an entry in ClinVar:

ClinVar aggregate classification (germline): Benign (3 of 4 stars; one submission).

Conditions:
Breast-ovarian cancer, familial, susceptibility to, 2 (BROVCA2). Also called: BRCA2 Hereditary Breast and Ovarian Cancer. Identifiers: Orphanet 145, MedGen C2675520, MONDO:0012933, OMIM 612555. Disease mechanism: loss of function.

Allele frequency attached by ClinVar (database versions not stated): 1000 Genomes Project 0.00899; 1000 Genomes Project 30x 0.01046; gnomAD 0.01197 and 0.01299; TOPMed 0.01395.
gnomAD v4.1: 1,799 of 151,948 alleles (1.2%); highest among the groups gnomAD compares: African/African-American, 4.1%; 41 homozygotes.

Submission:

Evidence-based Network for the Interpretation of Germline Mutant Alleles (ENIGMA)
Classification: Benign for Breast-ovarian cancer, familial 2. Last evaluated: 2015-01-12. Review status: reviewed by expert panel. Criteria: ENIGMA BRCA1/2 Classification Criteria (2015). Collection method: curation. Allele origin: germline.
Comment: Class 1 not pathogenic based on frequency >1% in an outbred sampleset. Frequency 0.03455 (African), derived from 1000 genomes (2012-04-30).

NM_000059.4(BRCA2):c.9502-602G>A

Gene: BRCA2 (BRCA2 DNA repair associated; plus strand). Cytogenetic location: 13q13.1.
Variant type: single nucleotide variant.
Coding change: c.9502-602G>A on transcript NM_000059.4 (MANE Select); 602 bases into the intron before coding-DNA position 9502, G replaced by A.
Molecular consequence: intron variant.
Genome position (GRCh38, 1-based): chr13:32,396,296, G>A. VCF-style: chr13-32396296-G-A. GRCh37 (hg19) VCF-style: chr13-32970433-G-A.
Other names: IVS 25-602G>A.
Identifiers: ClinVar variation 209916 (VCV000209916.1), dbSNP rs7336403, ClinGen allele CA276884.
Genomic context (GRCh38, chr13:32,396,296, plus strand): 5'-AGTACTGGGTTTACAGGCATGAGCCACCGAGCCCGCATTTTCTCTGAGACGTCTTCAAAG[G>A]CAGTTTACTAATCCTGCTGAAGAGACAACTGTCATTTACACAGCATTTTAAAGTTTTACA-3'